The following is an entry in ClinVar:

ClinVar aggregate classification (germline): Uncertain significance (1 of 4 stars; one submission).

Conditions:
Cardiovascular phenotype. Identifiers: MedGen CN230736.

gnomAD v4.1: 6 of 1,614,122 alleles (0.00037%); highest among the groups gnomAD compares: Non-Finnish European, 0.00034%; no homozygotes.

Submission:

Ambry Genetics
Classification: Uncertain significance for Cardiovascular phenotype. Last evaluated: 2024-07-15. Review status: criteria provided, single submitter. Criteria: Ambry Variant Classification Scheme 2023. Collection method: clinical testing. Allele origin: germline.
Comment: The p.A200S variant (also known as c.598G>T), located in coding exon 6 of the ANK2 gene, results from a G to T substitution at nucleotide position 598. The alanine at codon 200 is replaced by serine, an amino acid with similar properties. This amino acid position is highly conserved in available vertebrate species. In addition, the in silico prediction for this alteration is inconclusive. Based on the available evidence, the clinical significance of this variant remains unclear.

NM_001148.6(ANK2):c.598G>T (p.Ala200Ser)

Gene: ANK2 (ankyrin 2; plus strand). Cytogenetic location: 4q26.
Variant type: single nucleotide variant.
Coding change: c.598G>T on transcript NM_001148.6 (MANE Select); coding-DNA position 598, G replaced by T.
Protein change: p.Ala200Ser; replaces alanine 200 with serine.
Molecular consequence: missense variant.
Genome position (GRCh38, 1-based): chr4:113,237,101, G>T. VCF-style: chr4-113237101-G-T. GRCh37 (hg19) VCF-style: chr4-114158257-G-T.
Other names: c.535G>T, p.Ala179Ser (NM_001127493.3, NM_001354239.2, NM_001354243.2 and 33 more transcripts); c.598G>T, p.Ala200Ser (NM_001354225.2, NM_001354228.2, NM_001354232.2 and 9 more transcripts); c.643G>T, p.Ala215Ser (NM_001354230.2, NM_001354231.2, NM_001354237.2 and 5 more transcripts); c.580G>T, p.Ala194Ser (NM_001354261.2, NM_001386147.1, NM_001386160.1); c.586G>T, p.Ala196Ser (NM_001354269.3, NM_001386148.2, NM_001386186.2 and 1 more transcripts); c.649G>T, p.Ala217Ser (NM_001386174.1, NM_001386175.1); short protein forms A215S, A196S, A217S, A194S, A179S, A200S.
Identifiers: ClinVar variation 3539314 (VCV003539314.1).
Genomic context (GRCh38, chr4:113,237,101, plus strand): 5'-GCCATCCTCTTGGAGAATGACACCAAAGGGAAAGTGAGGCTGCCAGCTCTGCATATTGCC[G>T]CTAGGAAAGACGACACCAAATCTGCCGCACTTCTGCTTCAGAATGACCACAATGCTGACG-3'
Protein context (NP_001139.3, residues 190-210): KVRLPALHIA[Ala200Ser]RKDDTKSAAL